The following is an entry in ClinVar:

NM_003786.4(ABCC3):c.39G>C (p.Lys13Asn)

Gene: ABCC3 (ATP binding cassette subfamily C member 3; plus strand). Cytogenetic location: 17q21.33.
Variant type: single nucleotide variant.
Coding change: c.39G>C on transcript NM_003786.4 (MANE Select); coding-DNA position 39, G replaced by C.
Protein change: p.Lys13Asn; replaces lysine 13 with asparagine.
Molecular consequence: missense variant.
Genome position (GRCh38, 1-based): chr17:50,634,975, G>C. VCF-style: chr17-50634975-G-C. GRCh37 (hg19) VCF-style: chr17-48712336-G-C.
Other names: c.39G>C, p.Lys13Asn (NM_001144070.2); short protein forms K13N.
Identifiers: ClinVar variation 2647939 (VCV002647939.24), dbSNP rs201886646, ClinGen allele CA8653893.

ClinVar aggregate classification (germline): Likely benign (1 of 4 stars; one submission).

Allele frequency attached by ClinVar (database versions not stated): gnomAD exomes 0.00742; ExAC 0.03609; 1000 Genomes Project 0.00240; 1000 Genomes Project 30x 0.00359; ESP Exome Variant Server 0.00418; gnomAD 0.00630.
gnomAD v4.1: 9,160 of 1,260,280 alleles (0.73%); highest among the groups gnomAD compares: Non-Finnish European, 0.8%; 37 homozygotes.

Submission:

CeGaT Center for Human Genetics Tuebingen
Classification: Likely benign. Last evaluated: 2022-12-01. Review status: criteria provided, single submitter. Criteria: CeGaT Center For Human Genetics Tuebingen Variant Classification Criteria Version 2. Collection method: clinical testing. Allele origin: germline. Affected: yes. Observed: 1 variant allele.
Comment: ABCC3: BS2